The following is an entry in ClinVar:

ClinVar aggregate classification (germline): Pathogenic. Review status: criteria provided, multiple submitters, no conflicts (2 of 4 stars). 4 submissions from 4 submitters: Pathogenic (3). 1 of the submissions does not count toward it. Last evaluated 2023-04-11.

Conditions:
Inborn genetic diseases. Identifiers: MedGen C0950123, MeSH D030342.
Spastic paraplegia. Identifiers: MedGen C0037772, HP:0001258.
Hereditary spastic paraplegia 47. Also called: CEREBRAL PALSY, SPASTIC QUADRIPLEGIC, 5; adaptor protein 4 (AP-4) deficiency syndrome; Spastic paraplegia 47, autosomal recessive. Identifiers: Orphanet 280763, MedGen C3279738, MONDO:0013551, OMIM 614066.

Allele frequency attached by ClinVar (database versions not stated): TOPMed below 0.00001; gnomAD 0.00001.
gnomAD v4.1: 6 of 1,613,694 alleles (0.00037%); highest among the groups gnomAD compares: Non-Finnish European, 0.00042%; no homozygotes.

Submissions (4):

Genome-Nilou Lab
Classification: Pathogenic for Hereditary spastic paraplegia 47. Last evaluated: 2023-04-11. Review status: criteria provided, single submitter. Criteria: ACMG Guidelines, 2015. Collection method: clinical testing. Allele origin: germline. Affected: no.

Centre for Mendelian Genomics, University Medical Centre Ljubljana
Classification: Pathogenic for Hereditary spastic paraplegia 47. Last evaluated: 2019-03-25. Review status: criteria provided, single submitter. Criteria: ACMG Guidelines, 2015. Collection method: clinical testing. Allele origin: unknown. Affected: yes.
Comment: This variant was classified as: Pathogenic. The following ACMG criteria were applied in classifying this variant: PVS1,PM2,PM3.

Ambry Genetics
Classification: Pathogenic for Inborn genetic diseases. Last evaluated: 2018-04-25. Review status: criteria provided, single submitter. Criteria: Ambry Variant Classification Scheme 2023. Collection method: clinical testing. Allele origin: germline.
Comment: The c.114-2A>G intronic pathogenic mutation results from an A to G substitution two nucleotides upstream from coding exon 2 in the AP4B1 gene. In addition to the clinical data presented in the literature, alterations that disrupt the canonical splice site are expected to cause aberrant splicing, resulting in an abnormal protein or a transcript that is subject to nonsense-mediated mRNA decay. As such, this alteration is classified as a disease-causing mutation.

Yale Center for Mendelian Genomics, Yale University
Classification: Likely pathogenic for Spastic paraplegia. Last evaluated: 2020-10-01. Review status: no assertion criteria provided. Collection method: literature only. Allele origin: germline. Affected: yes. Observed: 1 homozygote. Study: Yale Center for Mendelian Genomics. Not counted in ClinVar's aggregate classification.

Literature cited by the submitters: PubMed 29193663 (cited by Ambry Genetics); PubMed 32979048 (cited by Yale Center for Mendelian Genomics, Yale University).

NM_001253852.3(AP4B1):c.114-2A>G

Gene: AP4B1 (adaptor related protein complex 4 subunit beta 1; minus strand). Cytogenetic location: 1p13.2.
Variant type: single nucleotide variant.
Coding change: c.114-2A>G on transcript NM_001253852.3 (MANE Select); the canonical splice acceptor site of the intron before coding-DNA position 114, A replaced by G.
Molecular consequence: splice acceptor variant. On other transcripts: intron variant (2).
Genome position (GRCh38, 1-based): chr1:113,902,864, T>C on the plus strand (A>G on the coding strand, the complement: AP4B1 is on the minus strand). VCF-style: chr1-113902864-T-C. GRCh37 (hg19) VCF-style: chr1-114445486-T-C.
Other names: c.-56-130A>G (NM_001253853.3); c.114-2A>G (NM_006594.5); c.113+1741A>G (NM_001308312.2).
Identifiers: ClinVar variation 930375 (VCV000930375.7), dbSNP rs879255396, ClinGen allele CA28974125.